The following is an entry in ClinVar:

NM_014679.5(CEP57):c.1028G>A (p.Ser343Asn)

Gene: CEP57 (centrosomal protein 57; plus strand). Cytogenetic location: 11q21.
Variant type: single nucleotide variant.
Coding change: c.1028G>A on transcript NM_014679.5 (MANE Select); coding-DNA position 1028, G replaced by A.
Protein change: p.Ser343Asn; replaces serine 343 with asparagine.
Molecular consequence: missense variant.
Genome position (GRCh38, 1-based): chr11:95,827,928, G>A. VCF-style: chr11-95827928-G-A. GRCh37 (hg19) VCF-style: chr11-95561092-G-A.
Other names: c.1001G>A, p.Ser334Asn (NM_001243776.2); c.950G>A, p.Ser317Asn (NM_001243777.2); c.947G>A, p.Ser316Asn (NM_001363604.2, NM_001440869.1, NM_001440870.1); c.920G>A, p.Ser307Asn (NM_001440871.1); c.911G>A, p.Ser304Asn (NM_001440872.1); c.848G>A, p.Ser283Asn (NM_001440873.1); c.842G>A, p.Ser281Asn (NM_001440874.1); c.839G>A, p.Ser280Asn (NM_001440875.1); and 6 more; short protein forms S268N, S277N, S283N, S334N, S242N, S280N, S281N, S304N.
Identifiers: ClinVar variation 4845094 (VCV004845094.1).

ClinVar aggregate classification (germline): Uncertain significance (1 of 4 stars; one submission).

Conditions:
Inborn genetic diseases. Identifiers: MedGen C0950123, MeSH D030342.

gnomAD v4.1: 1 of 1,614,116 alleles (0.000062%); highest among the groups gnomAD compares: Non-Finnish European, 0.000085%; no homozygotes.

Submission:

Ambry Genetics
Classification: Uncertain significance for Inborn genetic diseases. Last evaluated: 2026-01-15. Review status: criteria provided, single submitter. Criteria: Ambry Variant Classification Scheme 2023. Collection method: clinical testing. Allele origin: germline.
Comment: The p.S343N variant (also known as c.1028G>A), located in coding exon 9 of the CEP57 gene, results from a G to A substitution at nucleotide position 1028. The serine at codon 343 is replaced by asparagine, an amino acid with highly similar properties. This amino acid position is conserved. In addition, this alteration is predicted to be tolerated by in silico analysis. Based on the available evidence, the clinical significance of this variant remains unclear.